The following is an entry in ClinVar:

NC_000013.11:g.(?_32325056)_(32325204_?)del

Gene: BRCA2 (BRCA2 DNA repair associated; plus strand). Cytogenetic location: 13q13.1.
Variant type: Deletion.
Identifiers: ClinVar variation 584129 (VCV000584129.10).

ClinVar aggregate classification (germline): Pathogenic (1 of 4 stars; one submission).

Conditions:
Hereditary breast ovarian cancer syndrome. Also called: Hereditary breast and ovarian cancer syndrome; Hereditary breast and/or ovarian cancer syndrome; Hereditary breast and ovarian cancer syndrome (HBOC); Breast and ovarian cancer; BRCA1- and BRCA2-Associated Hereditary Breast and Ovarian Cancer; Hereditary breast and ovarian cancer. Identifiers: Orphanet 145, MedGen C0677776, MeSH D061325, MONDO:0003582. Disease mechanism: loss of function.

Submission:

Labcorp Genetics (formerly Invitae), Labcorp
Classification: Pathogenic for Hereditary breast ovarian cancer syndrome. Last evaluated: 2023-08-03. Review status: criteria provided, single submitter. Criteria: Invitae Variant Classification Sherloc (09022015). Collection method: clinical testing. Allele origin: germline.
Comment: For these reasons, this variant has been classified as Pathogenic. A similar copy number variant has been observed in individual(s) with breast cancer (PMID: 26287763). This variant is a gross deletion of the genomic region encompassing exon(s) 4 of the BRCA2 gene. This deletion is out-of-frame, and is expected to create a premature termination codon and result in an absent or disrupted protein product. Loss-of-function variants in BRCA2 are known to be pathogenic (PMID: 20104584).

Literature cited by the submitters: PubMed 26287763; PubMed 20104584.